The following is an entry in ClinVar:

ClinVar aggregate classification (germline): Benign (0 of 4 stars; one submission).

Conditions:
Cutis laxa with osteodystrophy (ARCL2A). Also called: Debré-Type Cutis Laxa; CUTIS LAXA WITH BONE DYSTROPHY; CUTIS LAXA WITH GROWTH AND DEVELOPMENTAL DELAY; CUTIS LAXA WITH JOINT LAXITY AND RETARDED DEVELOPMENT; CUTIS LAXA WITH CONGENITAL DISORDER OF GLYCOSYLATION; CUTIS LAXA, AUTOSOMAL RECESSIVE, TYPE IIA. Identifiers: Orphanet 357058, MedGen C0268355, MONDO:0018163, OMIM 219200. Disease mechanism: loss of function.

Submission:

GeneReviews
Classification: Benign for ATP6V0A2-Related Cutis Laxa. Last evaluated: 2010-09-23. Review status: no assertion criteria provided. Collection method: curation. Allele origin: unknown.
ClinVar note: Converted during submission from benign to Benign.

NM_012463.4(ATP6V0A2):c.*115C>T

Gene: ATP6V0A2 (ATPase H+ transporting V0 subunit a2; plus strand). Cytogenetic location: 12q24.31.
Variant type: single nucleotide variant.
Coding change: c.*115C>T on transcript NM_012463.4 (MANE Select); 115 bases downstream of the stop codon, C replaced by T.
Molecular consequence: 3 prime UTR variant.
Genome position (GRCh38, 1-based): chr12:123,758,147, C>T. VCF-style: chr12-123758147-C-T. GRCh37 (hg19) VCF-style: chr12-124242694-C-T.
Other names: c.2686C>T (NM_012463.2).
Identifiers: ClinVar variation 21498 (VCV000021498.3), dbSNP rs367543009, ClinGen allele CA342136.